The following is an entry in ClinVar:

NM_001457.4(FLNB):c.4221C>G (p.Pro1407=)

Gene: FLNB (filamin B; plus strand). Cytogenetic location: 3p14.3.
Variant type: single nucleotide variant.
Coding change: c.4221C>G on transcript NM_001457.4 (MANE Select); coding-DNA position 4221, C replaced by G.
Protein change: p.Pro1407=; no amino-acid change (proline 1407 retained).
Molecular consequence: synonymous variant.
Genome position (GRCh38, 1-based): chr3:58,126,761, C>G. VCF-style: chr3-58126761-C-G. GRCh37 (hg19) VCF-style: chr3-58112488-C-G.
Other names: c.4221C>G, p.Pro1407= (NM_001164317.2, NM_001164318.2, NM_001164319.2).
Identifiers: ClinVar variation 2757860 (VCV002757860.3), dbSNP rs2362904, ClinGen allele CA434039695.

ClinVar aggregate classification (germline): Uncertain significance (1 of 4 stars; one submission).

gnomAD v4.1: 2 of 1,612,630 alleles (0.00012%); highest among the groups gnomAD compares: Non-Finnish European, 0.00017%; no homozygotes.

Submission:

Labcorp Genetics (formerly Invitae), Labcorp
Classification: Uncertain significance. Last evaluated: 2023-12-19. Review status: criteria provided, single submitter. Criteria: Invitae Variant Classification Sherloc (09022015). Collection method: clinical testing. Allele origin: germline.
Comment: This sequence change affects codon 1407 of the FLNB mRNA. It is a 'silent' change, meaning that it does not change the encoded amino acid sequence of the FLNB protein. It affects a nucleotide within the consensus splice site. This variant is not present in population databases (gnomAD no frequency). This variant has not been reported in the literature in individuals affected with FLNB-related conditions. Algorithms developed to predict the effect of sequence changes on RNA splicing suggest that this variant is not likely to affect RNA splicing. In summary, the available evidence is currently insufficient to determine the role of this variant in disease. Therefore, it has been classified as a Variant of Uncertain Significance.